The following is an entry in ClinVar:

ClinVar aggregate classification (germline): Pathogenic/Likely pathogenic. Review status: criteria provided, multiple submitters, no conflicts (2 of 4 stars). 2 submissions from 2 submitters: Pathogenic (1); Likely pathogenic (1). Last evaluated 2025-05-27.

Conditions:
Hereditary cancer-predisposing syndrome. Also called: Neoplastic Syndromes, Hereditary; Hereditary neoplastic syndrome; Tumor predisposition; Hereditary Cancer Syndrome. Identifiers: Orphanet 140162, MedGen C0027672, MeSH D009386, MONDO:0015356.

Submissions (2):

Ambry Genetics
Classification: Pathogenic for Hereditary cancer-predisposing syndrome. Last evaluated: 2025-05-27. Review status: criteria provided, single submitter. Criteria: Ambry Variant Classification Scheme 2023. Collection method: clinical testing. Allele origin: germline.
Comment: The p.G19* pathogenic mutation (also known as c.55G>T), located in coding exon 1 of the TMEM127 gene, results from a G to T substitution at nucleotide position 55. This changes the amino acid from a glycine to a stop codon within coding exon 1. This alteration is expected to result in loss of function by premature protein truncation or nonsense-mediated mRNA decay. As such, this alteration is interpreted as a disease-causing mutation.

GeneDx
Classification: Likely pathogenic. Last evaluated: 2023-04-03. Review status: criteria provided, single submitter. Criteria: GeneDx Variant Classification Process June 2021. Collection method: clinical testing. Allele origin: germline. Affected: yes.
Comment: Nonsense variant predicted to result in protein truncation or nonsense mediated decay in a gene for which loss of function is a known mechanism of disease; Not observed at significant frequency in large population cohorts (gnomAD); Has not been previously published as pathogenic or benign to our knowledge

NM_017849.4(TMEM127):c.55G>T (p.Gly19Ter)

Genes: TMEM127 (transmembrane protein 127; minus strand), LOC129934333 (ATAC-STARR-seq lymphoblastoid silent region 11759; plus strand). Cytogenetic location: 2q11.2.
Variant type: single nucleotide variant.
Coding change: c.55G>T on transcript NM_017849.4 (MANE Select); coding-DNA position 55, G replaced by T.
Protein change: p.Gly19Ter; replaces glycine 19 with a stop codon.
Molecular consequence: nonsense. On other transcripts: intron variant (1).
Genome position (GRCh38, 1-based): chr2:96,265,327, C>A on the plus strand (G>T on the coding strand, the complement: TMEM127 is on the minus strand). VCF-style: chr2-96265327-C-A. GRCh37 (hg19) VCF-style: chr2-96931065-C-A.
Other names: c.55G>T, p.Gly19Ter (NM_001193304.3); c.-9+542G>T (NM_001407283.1); short protein forms G19*.
Identifiers: ClinVar variation 2498063 (VCV002498063.2), dbSNP rs774322340, ClinGen allele CA347656206.
Genomic context (GRCh38, chr2:96,265,327, plus strand): 5'-GGGCGCCAGGCAGGGCCGAGGCCAGGCTACGCTCCGGCTGCTTGGGCAGAGCGCTGCCTC[C>A]CGGGCTCCTCCGCCGGCGCCCGCCGGGCAGCCCTGCGCCTCCGGGGGCGTACATGCCCGG-3'